The following is an entry in ClinVar:

NM_001040108.2(MLH3):c.3848A>G (p.Glu1283Gly)

Gene: MLH3 (mutL homolog 3; minus strand). Cytogenetic location: 14q24.3.
Variant type: single nucleotide variant.
Coding change: c.3848A>G on transcript NM_001040108.2 (MANE Select); coding-DNA position 3848, A replaced by G.
Protein change: p.Glu1283Gly; replaces glutamic acid 1283 with glycine.
Molecular consequence: missense variant.
Genome position (GRCh38, 1-based): chr14:75,030,682, T>C on the plus strand (A>G on the coding strand, the complement: MLH3 is on the minus strand). VCF-style: chr14-75030682-T-C. GRCh37 (hg19) VCF-style: chr14-75497385-T-C.
Other names: c.3776A>G, p.Glu1259Gly (NM_014381.3); short protein forms E1283G, E1259G.
Identifiers: ClinVar variation 4055430 (VCV004055430.1).

ClinVar aggregate classification (germline): Uncertain significance (1 of 4 stars; one submission).

Submission:

Ambry Genetics
Classification: Uncertain significance. Last evaluated: 2025-06-06. Review status: criteria provided, single submitter. Criteria: Ambry Variant Classification Scheme 2023. Collection method: clinical testing. Allele origin: germline.
Comment: The p.E1283G variant (also known as c.3848A>G), located in coding exon 8 of the MLH3 gene, results from an A to G substitution at nucleotide position 3848. The glutamic acid at codon 1283 is replaced by glycine, an amino acid with similar properties. This amino acid position is conserved. In addition, the in silico prediction for this alteration is inconclusive. Based on the available evidence, the clinical significance of this variant remains unclear.